The following is an entry in ClinVar:

NM_004360.5(CDH1):c.78G>T (p.Glu26Asp)

Gene: CDH1 (cadherin 1; plus strand). Cytogenetic location: 16q22.1.
Variant type: single nucleotide variant.
Coding change: c.78G>T on transcript NM_004360.5 (MANE Select); coding-DNA position 78, G replaced by T.
Protein change: p.Glu26Asp; replaces glutamic acid 26 with aspartic acid.
Molecular consequence: missense variant. On other transcripts: 5 prime UTR variant (2).
Genome position (GRCh38, 1-based): chr16:68,738,326, G>T. VCF-style: chr16-68738326-G-T. GRCh37 (hg19) VCF-style: chr16-68772229-G-T.
Other names: c.78G>T, p.Glu26Asp (NM_001317184.2); c.-1538G>T (NM_001317185.2); c.-1742G>T (NM_001317186.2); short protein forms E26D.
Identifiers: ClinVar variation 2076009 (VCV002076009.4), dbSNP rs2152114373, ClinGen allele CA396451778.
Genomic context (GRCh38, chr16:68,738,326, plus strand): 5'-CCCGGTTCCATCTACCTTTCCCCCACCCCAGGTCTCCTCTTGGCTCTGCCAGGAGCCGGA[G>T]CCCTGCCACCCTGGCTTTGACGCCGAGAGCTACACGTTCACGGTGCCCCGGCGCCACCTG-3'
Protein context (NP_004351.1, residues 16-36): QVSSWLCQEP[Glu26Asp]PCHPGFDAES

ClinVar aggregate classification (germline): Uncertain significance (1 of 4 stars; one submission).

Conditions:
Hereditary diffuse gastric adenocarcinoma (HDGC). Also called: DIFFUSE GASTRIC AND LOBULAR BREAST CANCER SYNDROME. Identifiers: Orphanet 26106, MedGen C1708349, MONDO:0007648, OMIM 137215.

Allele frequency attached by ClinVar (database versions not stated): gnomAD exomes below 0.00001.
gnomAD v4.1: 1 of 1,550,778 alleles (0.000064%); highest among the groups gnomAD compares: South Asian, 0.0012%; no homozygotes.

Submission:

Labcorp Genetics (formerly Invitae), Labcorp
Classification: Uncertain significance for Hereditary diffuse gastric adenocarcinoma. Last evaluated: 2024-04-10. Review status: criteria provided, single submitter. Criteria: Invitae Variant Classification Sherloc (09022015). Collection method: clinical testing. Allele origin: germline.
Comment: This sequence change replaces glutamic acid, which is acidic and polar, with aspartic acid, which is acidic and polar, at codon 26 of the CDH1 protein (p.Glu26Asp). This variant is not present in population databases (gnomAD no frequency). This variant has not been reported in the literature in individuals affected with CDH1-related conditions. ClinVar contains an entry for this variant (Variation ID: 2076009). An algorithm developed to predict the effect of missense changes on protein structure and function (PolyPhen-2) suggests that this variant is likely to be tolerated. In summary, the available evidence is currently insufficient to determine the role of this variant in disease. Therefore, it has been classified as a Variant of Uncertain Significance.